The following is an entry in ClinVar:

NM_005051.3(QARS1):c.30C>T (p.Phe10=)

Genes: QARS1 (glutaminyl-tRNA synthetase 1; minus strand), LOC129936736 (ATAC-STARR-seq lymphoblastoid active region 19853; plus strand). Cytogenetic location: 3p21.31.
Variant type: single nucleotide variant.
Coding change: c.30C>T on transcript NM_005051.3 (MANE Select); coding-DNA position 30, C replaced by T.
Protein change: p.Phe10=; no amino-acid change (phenylalanine 10 retained).
Molecular consequence: synonymous variant. On other transcripts: non-coding transcript variant (1).
Genome position (GRCh38, 1-based): chr3:49,104,704, G>A on the plus strand (C>T on the coding strand, the complement: QARS1 is on the minus strand). VCF-style: chr3-49104704-G-A. GRCh37 (hg19) VCF-style: chr3-49142137-G-A.
Other names: c.30C>T, p.Phe10= (NM_001272073.2).
Identifiers: ClinVar variation 2110411 (VCV002110411.4), dbSNP rs757700645, ClinGen allele CA2392338.

ClinVar aggregate classification (germline): Uncertain significance (1 of 4 stars; one submission).

Conditions:
Diffuse cerebral and cerebellar atrophy - intractable seizures - progressive microcephaly syndrome. Also called: Microcephaly, progressive, with seizures and cerebral and cerebellar atrophy. Identifiers: Orphanet 404437, MedGen C4014239, MONDO:0014335, OMIM 615760.

Allele frequency attached by ClinVar (database versions not stated): gnomAD exomes below 0.00001; ExAC 0.00001.
gnomAD v4.1: 3 of 1,612,852 alleles (0.00019%); highest among the groups gnomAD compares: East Asian, 0.0022%; no homozygotes.

Submission:

Labcorp Genetics (formerly Invitae), Labcorp
Classification: Uncertain significance for Diffuse cerebral and cerebellar atrophy - intractable seizures - progressive microcephaly syndrome. Last evaluated: 2022-06-18. Review status: criteria provided, single submitter. Criteria: Invitae Variant Classification Sherloc (09022015). Collection method: clinical testing. Allele origin: germline.
Comment: Algorithms developed to predict the effect of sequence changes on RNA splicing suggest that this variant may create or strengthen a splice site. This sequence change affects codon 10 of the QARS mRNA. It is a 'silent' change, meaning that it does not change the encoded amino acid sequence of the QARS protein. This variant is present in population databases (rs757700645, gnomAD 0.007%). This variant has not been reported in the literature in individuals affected with QARS-related conditions. In summary, the available evidence is currently insufficient to determine the role of this variant in disease. Therefore, it has been classified as a Variant of Uncertain Significance.